The following is an entry in ClinVar:

ClinVar aggregate classification (germline): Uncertain significance (1 of 4 stars; one submission).

Submission:

GeneDx
Classification: Uncertain significance. Last evaluated: 2025-08-13. Review status: criteria provided, single submitter. Criteria: GeneDx Variant Classification Process June 2021. Collection method: clinical testing. Allele origin: germline. Affected: yes.
Comment: Not observed at significant frequency in large population cohorts (gnomAD); In silico analysis supports that this missense variant has a deleterious effect on protein structure/function; Has not been previously published as pathogenic or benign to our knowledge

NM_000069.3(CACNA1S):c.5471A>G (p.Glu1824Gly)

Gene: CACNA1S (calcium voltage-gated channel subunit alpha1 S; minus strand). Cytogenetic location: 1q32.1.
Variant type: single nucleotide variant.
Coding change: c.5471A>G on transcript NM_000069.3 (MANE Select); coding-DNA position 5471, A replaced by G.
Protein change: p.Glu1824Gly; replaces glutamic acid 1824 with glycine.
Molecular consequence: missense variant.
Genome position (GRCh38, 1-based): chr1:201,039,982, T>C on the plus strand (A>G on the coding strand, the complement: CACNA1S is on the minus strand). VCF-style: chr1-201039982-T-C. GRCh37 (hg19) VCF-style: chr1-201009110-T-C.
Other names: short protein forms E1824G.
Identifiers: ClinVar variation 4795638 (VCV004795638.1).